The following is an entry in ClinVar:

NM_004006.3(DMD):c.3504G>A (p.Glu1168=)

Gene: DMD (dystrophin; minus strand). Cytogenetic location: Xp21.1.
Variant type: single nucleotide variant.
Coding change: c.3504G>A on transcript NM_004006.3 (MANE Select); coding-DNA position 3504, G replaced by A.
Protein change: p.Glu1168=; no amino-acid change (glutamic acid 1168 retained).
Molecular consequence: synonymous variant.
Genome position (GRCh38, 1-based): chrX:32,454,761, C>T on the plus strand (G>A on the coding strand, the complement: DMD is on the minus strand). VCF-style: chrX-32454761-C-T. GRCh37 (hg19) VCF-style: chrX-32472878-C-T.
Other names: c.3480G>A, p.Glu1160= (NM_000109.4); c.3492G>A, p.Glu1164= (NM_004009.3); c.3135G>A, p.Glu1045= (NM_004010.3).
Identifiers: ClinVar variation 385930 (VCV000385930.1), dbSNP rs1057522368, ClinGen allele CA16608898.

ClinVar aggregate classification (germline): Likely benign (1 of 4 stars; one submission).

Submission:

GeneDx
Classification: Likely benign. Last evaluated: 2016-05-19. Review status: criteria provided, single submitter. Criteria: GeneDx Variant Classification (06012015). Collection method: clinical testing. Allele origin: germline. Affected: yes.
Comment: This variant is considered likely benign or benign based on one or more of the following criteria: it is a conservative change, it occurs at a poorly conserved position in the protein, it is predicted to be benign by multiple in silico algorithms, and/or has population frequency not consistent with disease.